The following is an entry in ClinVar:

NM_020778.5(ALPK3):c.2342C>T (p.Thr781Ile)

Gene: ALPK3 (alpha kinase 3; plus strand). Cytogenetic location: 15q25.3.
Variant type: single nucleotide variant.
Coding change: c.2342C>T on transcript NM_020778.5 (MANE Select); coding-DNA position 2342, C replaced by T.
Protein change: p.Thr781Ile; replaces threonine 781 with isoleucine.
Molecular consequence: missense variant.
Genome position (GRCh38, 1-based): chr15:84,857,080, C>T. VCF-style: chr15-84857080-C-T. GRCh37 (hg19) VCF-style: chr15-85400311-C-T.
Other names: c.2948C>T (NM_020778.4); short protein forms T781I.
Identifiers: ClinVar variation 1936359 (VCV001936359.7), dbSNP rs1399635608, ClinGen allele CA393356818.

ClinVar aggregate classification (germline): Uncertain significance. Review status: criteria provided, multiple submitters, no conflicts (2 of 4 stars). 2 submissions from 2 submitters: Uncertain significance (2). Last evaluated 2025-06-01.

Conditions:
Cardiovascular phenotype. Identifiers: MedGen CN230736.

gnomAD v4.1: 16 of 1,614,206 alleles (0.00099%); highest among the groups gnomAD compares: Non-Finnish European, 0.0013%; no homozygotes.

Submissions (2):

Labcorp Genetics (formerly Invitae), Labcorp
Classification: Uncertain significance. Last evaluated: 2025-06-01. Review status: criteria provided, single submitter. Criteria: Invitae Variant Classification Sherloc (09022015). Collection method: clinical testing. Allele origin: germline.
Comment: This sequence change replaces threonine, which is neutral and polar, with isoleucine, which is neutral and non-polar, at codon 983 of the ALPK3 protein (p.Thr983Ile). This variant is present in population databases (no rsID available, gnomAD 0.0009%). This variant has not been reported in the literature in individuals affected with ALPK3-related conditions. ClinVar contains an entry for this variant (Variation ID: 1936359). Invitae Evidence Modeling of protein sequence and biophysical properties (such as structural, functional, and spatial information, amino acid conservation, physicochemical variation, residue mobility, and thermodynamic stability) indicates that this missense variant is not expected to disrupt ALPK3 protein function with a negative predictive value of 80%. In summary, the available evidence is currently insufficient to determine the role of this variant in disease. Therefore, it has been classified as a Variant of Uncertain Significance.

Ambry Genetics
Classification: Uncertain significance for Cardiovascular phenotype. Last evaluated: 2023-08-24. Review status: criteria provided, single submitter. Criteria: Ambry Variant Classification Scheme 2023. Collection method: clinical testing. Allele origin: germline.
Comment: The p.T983I variant (also known as c.2948C>T), located in coding exon 6 of the ALPK3 gene, results from a C to T substitution at nucleotide position 2948. The threonine at codon 983 is replaced by isoleucine, an amino acid with similar properties. This amino acid position is poorly conserved in available vertebrate species. In addition, this alteration is predicted to be tolerated by in silico analysis. Since supporting evidence is limited at this time, the clinical significance of this alteration remains unclear.